The following is an entry in ClinVar:

NM_020693.4(DSCAML1):c.5936C>T (p.Pro1979Leu)

Gene: DSCAML1 (DS cell adhesion molecule like 1; minus strand). Cytogenetic location: 11q23.3.
Variant type: single nucleotide variant.
Coding change: c.5936C>T on transcript NM_020693.4 (MANE Select); coding-DNA position 5936, C replaced by T.
Protein change: p.Pro1979Leu; replaces proline 1979 with leucine.
Molecular consequence: missense variant.
Genome position (GRCh38, 1-based): chr11:117,428,554, G>A on the plus strand (C>T on the coding strand, the complement: DSCAML1 is on the minus strand). VCF-style: chr11-117428554-G-A. GRCh37 (hg19) VCF-style: chr11-117299270-G-A.
Other names: short protein forms P1979L.
Identifiers: ClinVar variation 2523987 (VCV002523987.4), dbSNP rs779859656, ClinGen allele CA6295923.

ClinVar aggregate classification (germline): Uncertain significance. Review status: criteria provided, multiple submitters, no conflicts (2 of 4 stars). 2 submissions from 2 submitters: Uncertain significance (2). Last evaluated 2024-02-16.

Allele frequency attached by ClinVar (database versions not stated): ExAC 0.00006; gnomAD 0.00010.
gnomAD v4.1: 42 of 1,547,806 alleles (0.0027%); highest among the groups gnomAD compares: Admixed American, 0.027%; no homozygotes.

Submissions (2):

Labcorp Genetics (formerly Invitae), Labcorp
Classification: Uncertain significance. Last evaluated: 2024-02-16. Review status: criteria provided, single submitter. Criteria: Invitae Variant Classification Sherloc (09022015). Collection method: clinical testing. Allele origin: germline.
Comment: This sequence change replaces proline, which is neutral and non-polar, with leucine, which is neutral and non-polar, at codon 2039 of the DSCAML1 protein (p.Pro2039Leu). The frequency data for this variant in the population databases is considered unreliable, as metrics indicate poor data quality at this position in the gnomAD database. This variant has not been reported in the literature in individuals affected with DSCAML1-related conditions. ClinVar contains an entry for this variant (Variation ID: 2523987). An algorithm developed to predict the effect of missense changes on protein structure and function (PolyPhen-2) suggests that this variant is likely to be tolerated. In summary, the available evidence is currently insufficient to determine the role of this variant in disease. Therefore, it has been classified as a Variant of Uncertain Significance.

Ambry Genetics
Classification: Uncertain significance. Last evaluated: 2023-06-12. Review status: criteria provided, single submitter. Criteria: Ambry Variant Classification Scheme 2023. Collection method: clinical testing. Allele origin: germline.